The following is an entry in ClinVar:

NM_001318510.2(ACSL4):c.1163A>G (p.Lys388Arg)

Gene: ACSL4 (acyl-CoA synthetase long chain family member 4; minus strand). Cytogenetic location: Xq23.
Variant type: single nucleotide variant.
Coding change: c.1163A>G on transcript NM_001318510.2 (MANE Select); coding-DNA position 1163, A replaced by G.
Protein change: p.Lys388Arg; replaces lysine 388 with arginine.
Molecular consequence: missense variant.
Genome position (GRCh38, 1-based): chrX:109,668,253, T>C on the plus strand (A>G on the coding strand, the complement: ACSL4 is on the minus strand). VCF-style: chrX-109668253-T-C. GRCh37 (hg19) VCF-style: chrX-108911482-T-C.
Other names: NC_000023.10:g.108911482T>C; c.1286A>G, p.Lys429Arg (NM_001318509.2, NM_022977.3); c.1163A>G, p.Lys388Arg (NM_004458.3); short protein forms K388R, K429R.
Identifiers: ClinVar variation 386505 (VCV000386505.4), dbSNP rs761895022, ClinGen allele CA10491043.
Genomic context (GRCh38, chrX:109,668,253, plus strand): 5'-TGAGGAGATAGCGGGGCCCCTCCAGACAGCATCATGCGGACATTCCCTCCCAGCAGGGCC[T>C]TGACCTTTTTAAACAGTAACCTTAATAAAGGGAGGATAAATGATTTTAATGTACGCATAC-3'
Protein context (NP_001305439.1, residues 378-398): LCNLLLFKKV[Lys388Arg]ALLGGNVRMM

ClinVar aggregate classification (germline): Uncertain significance. Review status: criteria provided, multiple submitters, no conflicts (2 of 4 stars). 2 submissions from 2 submitters: Uncertain significance (2). Last evaluated 2021-07-30.

Conditions:
Intellectual developmental disorder, X-linked 63. Also called: MENTAL RETARDATION, X-LINKED 68; Intellectual disability, X-linked 63. Identifiers: Orphanet 777, MedGen C1845672, MONDO:0010313, OMIM 300387.

Allele frequency attached by ClinVar (database versions not stated): TOPMed 0.00003; gnomAD 0.00004.
gnomAD v4.1: 43 of 1,201,601 alleles (0.0036%); highest among the groups gnomAD compares: Non-Finnish European, 0.0048%; no homozygotes.

Submissions (4):

Department of Pathology and Laboratory Medicine, Sinai Health System
Classification: Uncertain significance for Intellectual developmental disorder, X-linked 63. Last evaluated: 2021-07-30. Review status: criteria provided, single submitter. Criteria: ACMG Guidelines, 2015. Collection method: research. Allele origin: germline.

GeneDx
Classification: Uncertain significance. Last evaluated: 2016-05-23. Review status: criteria provided, single submitter. Criteria: GeneDx Variant Classification (06012015). Collection method: clinical testing. Allele origin: germline. Affected: yes.
Comment: The K388R variant in the ACSL4 gene has not been reported previously as a pathogenic variant, nor as a benign variant, to our knowledge. The K388R variant was not observed in approximately 6,500 individuals of European and African American ancestry in the NHLBI Exome Sequencing Project, indicating it is not a common benign variant in these populations. The K388R variant is a conservative amino acid substitution, which is not likely to impact secondary protein structure as these residues share similar properties. This substitution occurs at a position where amino acids with similar properties to Lysine are tolerated across species. In silico analysis is inconsistent in its predictions as to whether or not the variant is damaging to the protein structure/function. We interpret K388R as a variant of uncertain significance.

Dr. Peter K. Rogan Lab, Western University
No classification provided (evidence only). Condition: Thyroid cancer, nonmedullary, 1. Review status: no classification provided. Collection method: in vitro. Allele origin: not applicable. Functional consequence: retained intron. Not counted in ClinVar's aggregate classification.

Dr. Peter K. Rogan Lab, Western University
No classification provided (evidence only). Condition: Nonpapillary renal cell carcinoma. Review status: no classification provided. Collection method: in vitro. Allele origin: not applicable. Functional consequence: retained intron. Not counted in ClinVar's aggregate classification.